The following is an entry in ClinVar:

ClinVar aggregate classification (germline): Uncertain significance. Review status: criteria provided, multiple submitters, no conflicts (2 of 4 stars). 2 submissions from 2 submitters: Uncertain significance (2). Last evaluated 2025-05-22.

Conditions:
Autosomal recessive limb-girdle muscular dystrophy type 2A (LGMDR1). Also called: Muscular dystrophy, limb-girdle, type 2A, Amish; Limb-girdle muscular dystrophy, type 2A; Calpainopathy; LEYDEN-MOEBIUS MUSCULAR DYSTROPHY; MUSCULAR DYSTROPHY, PELVOFEMORAL. Identifiers: Orphanet 267, MedGen C1869123, MONDO:0009675, OMIM 253600. Disease mechanism: loss of function.

Allele frequency attached by ClinVar (database versions not stated): ExAC 0.00002.
gnomAD v4.1: 11 of 1,613,990 alleles (0.00068%); highest among the groups gnomAD compares: East Asian, 0.0067%; no homozygotes.

Submissions (2):

Labcorp Genetics (formerly Invitae), Labcorp
Classification: Uncertain significance for Autosomal recessive limb-girdle muscular dystrophy type 2A. Last evaluated: 2025-05-22. Review status: criteria provided, single submitter. Criteria: Invitae Variant Classification Sherloc (09022015). Collection method: clinical testing. Allele origin: germline.
Comment: This sequence change replaces arginine, which is basic and polar, with glutamine, which is neutral and polar, at codon 592 of the CAPN3 protein (p.Arg592Gln). This variant is present in population databases (rs766266768, gnomAD 0.02%). This missense change has been observed in individual(s) with clinical features of CAPN3-related disorders (PMID: 37852290). ClinVar contains an entry for this variant (Variation ID: 2058643). Invitae Evidence Modeling of protein sequence and biophysical properties (such as structural, functional, and spatial information, amino acid conservation, physicochemical variation, residue mobility, and thermodynamic stability) has been performed for this missense variant. However, the output from this modeling did not meet the statistical confidence thresholds required to predict the impact of this variant on CAPN3 protein function. In summary, the available evidence is currently insufficient to determine the role of this variant in disease. Therefore, it has been classified as a Variant of Uncertain Significance.

Women's Health and Genetics/Laboratory Corporation of America, LabCorp
Classification: Uncertain significance. Last evaluated: 2024-09-19. Review status: criteria provided, single submitter. Criteria: LabCorp Variant Classification Summary - May 2015. Collection method: clinical testing. Allele origin: germline.
Comment: Variant summary: CAPN3 c.1775G>A (p.Arg592Gln) results in a conservative amino acid change in the encoded protein sequence. Four of five in-silico tools predict a benign effect of the variant on protein function. The variant allele was found at a frequency of 2.4e-05 in 251488 control chromosomes (gnomAD). The available data on variant occurrences in the general population are insufficient to allow any conclusion about variant significance. c.1775G>A has been reported in the literature in at least an individual affected with Limb-Girdle Muscular Dystrophy, Autosomal Recessive (example: Lorenzoni_2023). This report does not provide unequivocal conclusions about association of the variant with Limb-Girdle Muscular Dystrophy, Autosomal Recessive. To our knowledge, no experimental evidence demonstrating an impact on protein function has been reported. The following publication has been ascertained in the context of this evaluation (PMID: 37852290). ClinVar contains an entry for this variant (Variation ID: 2058643). Based on the evidence outlined above, the variant was classified as uncertain significance.

Literature cited by the submitters: PubMed 37852290 (cited by Labcorp Genetics (formerly Invitae), Labcorp and Women's Health and Genetics/Laboratory Corporation of America, LabCorp).

NM_000070.3(CAPN3):c.1775G>A (p.Arg592Gln)

Gene: CAPN3 (calpain 3; plus strand). Cytogenetic location: 15q15.1.
Variant type: single nucleotide variant.
Coding change: c.1775G>A on transcript NM_000070.3 (MANE Select); coding-DNA position 1775, G replaced by A.
Protein change: p.Arg592Gln; replaces arginine 592 with glutamine.
Molecular consequence: missense variant.
Genome position (GRCh38, 1-based): chr15:42,403,770, G>A. VCF-style: chr15-42403770-G-A. GRCh37 (hg19) VCF-style: chr15-42695968-G-A.
Other names: c.1775G>A, p.Arg592Gln (NM_024344.2); c.1631G>A, p.Arg544Gln (NM_173087.2); c.239G>A, p.Arg80Gln (NM_173088.2); c.*891G>A (NM_212464.2); c.*1468G>A (NM_212467.2); short protein forms R80Q, R592Q, R544Q.
Identifiers: ClinVar variation 2058643 (VCV002058643.3), dbSNP rs766266768, ClinGen allele CA7511500.